The following is an entry in ClinVar:

NM_182914.3(SYNE2):c.6172A>G (p.Lys2058Glu)

Gene: SYNE2 (spectrin repeat containing nuclear envelope protein 2; plus strand). Cytogenetic location: 14q23.2.
Variant type: single nucleotide variant.
Coding change: c.6172A>G on transcript NM_182914.3 (MANE Select); coding-DNA position 6172, A replaced by G.
Protein change: p.Lys2058Glu; replaces lysine 2058 with glutamic acid.
Molecular consequence: missense variant.
Genome position (GRCh38, 1-based): chr14:64,025,341, A>G. VCF-style: chr14-64025341-A-G. GRCh37 (hg19) VCF-style: chr14-64492059-A-G.
Other names: c.6172A>G, p.Lys2058Glu (NM_015180.6); short protein forms K2058E.
Identifiers: ClinVar variation 855286 (VCV000855286.10), dbSNP rs762452734, ClinGen allele CA7220631.

ClinVar aggregate classification (germline): Uncertain significance. Review status: criteria provided, multiple submitters, no conflicts (2 of 4 stars). 2 submissions from 2 submitters: Uncertain significance (2). Last evaluated 2025-10-01.

Conditions:
Emery-Dreifuss muscular dystrophy 5, autosomal dominant (EDMD5). Also called: EMERY-DREIFUSS MUSCULAR DYSTROPHY 5. Identifiers: Orphanet 261, MedGen C2751805, MONDO:0013072, OMIM 612999.

Allele frequency attached by ClinVar (database versions not stated): gnomAD 0.00006; gnomAD exomes 0.00006 and 0.00010; ExAC 0.00011; TOPMed 0.00011.
gnomAD v4.1: 104 of 1,613,956 alleles (0.0064%); highest among the groups gnomAD compares: Middle Eastern, 0.082%; no homozygotes.

Submissions (2):

Labcorp Genetics (formerly Invitae), Labcorp
Classification: Uncertain significance for Emery-Dreifuss muscular dystrophy 5, autosomal dominant. Last evaluated: 2025-10-01. Review status: criteria provided, single submitter. Criteria: Invitae Variant Classification Sherloc (09022015). Collection method: clinical testing. Allele origin: germline.
Comment: This sequence change replaces lysine, which is basic and polar, with glutamic acid, which is acidic and polar, at codon 2058 of the SYNE2 protein (p.Lys2058Glu). This variant is present in population databases (rs762452734, gnomAD 0.05%), and has an allele count higher than expected for a pathogenic variant. This variant has not been reported in the literature in individuals affected with SYNE2-related conditions. ClinVar contains an entry for this variant (Variation ID: 855286). An algorithm developed to predict the effect of missense changes on protein structure and function (PolyPhen-2) suggests that this variant is likely to be tolerated. In summary, the available evidence is currently insufficient to determine the role of this variant in disease. Therefore, it has been classified as a Variant of Uncertain Significance.

Revvity Omics, Revvity
Classification: Uncertain significance for Emery-Dreifuss muscular dystrophy 5, autosomal dominant. Last evaluated: 2019-05-30. Review status: criteria provided, single submitter. Criteria: ACMG Guidelines, 2015. Collection method: clinical testing. Allele origin: germline.